The following is an entry in ClinVar:

NM_000130.5(F5):c.2539del (p.Ile847fs)

Gene: F5 (coagulation factor V; minus strand). Cytogenetic location: 1q24.2.
Variant type: Deletion.
Coding change: c.2539del on transcript NM_000130.5 (MANE Select); coding-DNA position 2539, one base deleted (A; older notation c.2539delA).
Protein change: p.Ile847fs; shifts the reading frame from isoleucine 847.
Molecular consequence: frameshift variant.
Genome position (GRCh38, 1-based): chr1:169,542,551, T deleted on the plus strand (A on the coding strand, the reverse complement: F5 is on the minus strand). VCF-style (leftmost placement, unchanged base first): chr1-169542550-AT-A. GRCh37 (hg19) VCF-style: chr1-169511788-AT-A.
Other names: c.2539delA (NM_000130.4); short protein forms I847fs.
Identifiers: ClinVar variation 627287 (VCV000627287.5), dbSNP rs1571575520, ClinGen allele CA915943656.
Genomic context (GRCh38, chr1:169,542,550, plus strand): 5'-CCCTTATGCTTAGCATGTTCTTGACTTTTGAATTCTCCAGCACCAAGTGAAAGTAGACGT[AT>A]CCCTGTGACATCTGGCTGTAGAGGATCCTCTATAGGGTCTTCAGAATATGGGCTGGAATG-3'

ClinVar aggregate classification (germline): Pathogenic/Likely pathogenic. Review status: criteria provided, multiple submitters, no conflicts (2 of 4 stars). 2 submissions from 2 submitters: Pathogenic (1); Likely pathogenic (1). Last evaluated 2022-12-24.

Conditions:
Factor V deficiency. Also called: Reduced coagulation factor V activity. Identifiers: Orphanet 326, MedGen C4317320, MONDO:0020586, HP:0003225.
Congenital factor V deficiency. Also called: PARAHEMOPHILIA; Hereditary factor V deficiency disease; LABILE FACTOR DEFICIENCY; OWREN PARAHEMOPHILIA. Identifiers: Orphanet 326, MedGen C0015499, MONDO:0009210, OMIM 227400.

Submissions (2):

Labcorp Genetics (formerly Invitae), Labcorp
Classification: Pathogenic for Congenital factor V deficiency. Last evaluated: 2022-12-24. Review status: criteria provided, single submitter. Criteria: Invitae Variant Classification Sherloc (09022015). Collection method: clinical testing. Allele origin: germline.
Comment: This variant is not present in population databases (gnomAD no frequency). This sequence change creates a premature translational stop signal (p.Ile847Tyrfs*24) in the F5 gene. It is expected to result in an absent or disrupted protein product. Loss-of-function variants in F5 are known to be pathogenic (PMID: 30924984). This premature translational stop signal has been observed in individual(s) with autosomal recessive factor V deficiency (PMID: 19486170). This variant is also known as Ile819fsX24. ClinVar contains an entry for this variant (Variation ID: 627287). For these reasons, this variant has been classified as Pathogenic.

NIHR Bioresource Rare Diseases, University of Cambridge
Classification: Likely pathogenic for Congenital factor V deficiency. Last evaluated: 2019-02-01. Review status: criteria provided, single submitter. Criteria: ACMG Guidelines, 2015. Collection method: research. Allele origin: unknown. Affected: yes. Observed: 1 heterozygote. Study: ThromboGenomics.

Literature cited by the submitters: PubMed 30924984 (cited by Labcorp Genetics (formerly Invitae), Labcorp); PubMed 19486170 (cited by Labcorp Genetics (formerly Invitae), Labcorp); PubMed 31064749 (cited by NIHR Bioresource Rare Diseases, University of Cambridge).